The following is an entry in ClinVar:

NM_032578.4(MYPN):c.504C>A (p.His168Gln)

Gene: MYPN (myopalladin; plus strand). Cytogenetic location: 10q21.3.
Variant type: single nucleotide variant.
Coding change: c.504C>A on transcript NM_032578.4 (MANE Select); coding-DNA position 504, C replaced by A.
Protein change: p.His168Gln; replaces histidine 168 with glutamine.
Molecular consequence: missense variant. On other transcripts: 5 prime UTR variant (1), non-coding transcript variant (1).
Genome position (GRCh38, 1-based): chr10:68,121,942, C>A. VCF-style: chr10-68121942-C-A. GRCh37 (hg19) VCF-style: chr10-69881699-C-A.
Other names: c.504C>A, p.His168Gln (NM_001256267.2); c.-619C>A (NM_001256268.2); short protein forms H168Q.
Identifiers: ClinVar variation 1038267 (VCV001038267.8), dbSNP rs2042249528, ClinGen allele CA377104499.

ClinVar aggregate classification (germline): Uncertain significance (1 of 4 stars; one submission).

Conditions:
Dilated cardiomyopathy 1KK (CMD1KK). Identifiers: Orphanet 154, Orphanet 75249, MedGen C3714995, MONDO:0014100, OMIM 615248.

Submission:

Labcorp Genetics (formerly Invitae), Labcorp
Classification: Uncertain significance for Dilated cardiomyopathy 1KK. Last evaluated: 2022-11-29. Review status: criteria provided, single submitter. Criteria: Invitae Variant Classification Sherloc (09022015). Collection method: clinical testing. Allele origin: germline.
Comment: This sequence change replaces histidine, which is basic and polar, with glutamine, which is neutral and polar, at codon 168 of the MYPN protein (p.His168Gln). In summary, the available evidence is currently insufficient to determine the role of this variant in disease. Therefore, it has been classified as a Variant of Uncertain Significance. Algorithms developed to predict the effect of missense changes on protein structure and function are either unavailable or do not agree on the potential impact of this missense change (SIFT: "Tolerated"; PolyPhen-2: "Probably Damaging"; Align-GVGD: "Class C0"). ClinVar contains an entry for this variant (Variation ID: 1038267). This variant has not been reported in the literature in individuals affected with MYPN-related conditions. This variant is not present in population databases (gnomAD no frequency).